The following is an entry in ClinVar:

ClinVar aggregate classification (germline): Uncertain significance (1 of 4 stars; one submission).

Conditions:
Inborn genetic diseases. Identifiers: MedGen C0950123, MeSH D030342.

gnomAD v4.1: 3 of 1,610,400 alleles (0.00019%); no homozygotes.

Submission:

Ambry Genetics
Classification: Uncertain significance for Inborn genetic diseases. Last evaluated: 2026-08-29. Review status: criteria provided, single submitter. Criteria: Ambry Variant Classification Scheme 2023. Collection method: clinical testing. Allele origin: germline.
Comment: The p.N106K variant (also known as c.318C>A), located in coding exon 4 of the DPYD gene, results from a C to A substitution at nucleotide position 318. The asparagine at codon 106 is replaced by lysine, an amino acid with similar properties. This amino acid position is conserved. In addition, this alteration is predicted to be tolerated by in silico analysis. Based on the available evidence, the clinical significance of this variant remains unclear.

NM_000110.4(DPYD):c.318C>A (p.Asn106Lys)

Gene: DPYD (dihydropyrimidine dehydrogenase; minus strand). Cytogenetic location: 1p21.3.
Variant type: single nucleotide variant.
Coding change: c.318C>A on transcript NM_000110.4 (MANE Select); coding-DNA position 318, C replaced by A.
Protein change: p.Asn106Lys; replaces asparagine 106 with lysine.
Molecular consequence: missense variant.
Genome position (GRCh38, 1-based): chr1:97,740,395, G>T on the plus strand (C>A on the coding strand, the complement: DPYD is on the minus strand). VCF-style: chr1-97740395-G-T. GRCh37 (hg19) VCF-style: chr1-98205951-G-T.
Other names: c.318C>A, p.Asn106Lys (NM_001160301.1); short protein forms N106K.
Identifiers: ClinVar variation 5035580 (VCV005035580.1).
Genomic context (GRCh38, chr1:97,740,395, plus strand): 5'-ATAGAGAACAAGATCAAATACTGTTATTTTCATTTGCAGAGTTAAATCTGAATTTACCTT[G>T]TTTGCAATACTTGTGATGAATGATTTAATATCAAGATTAGTTGGACAGCTCTTCTGACAC-3'
Protein context (NP_000101.2, residues 96-116): DIKSFITSIA[Asn106Lys]KNYYGAAKMI